The following is an entry in ClinVar:

ClinVar aggregate classification (germline): Pathogenic (1 of 4 stars; one submission).

Conditions:
Peroxisome biogenesis disorder. Identifiers: Orphanet 79189, MedGen C1832200, MONDO:0019234. Disease mechanism: loss of function.

Submission:

Labcorp Genetics (formerly Invitae), Labcorp
Classification: Pathogenic for Peroxisome biogenesis disorder. Last evaluated: 2021-12-21. Review status: criteria provided, single submitter. Criteria: Invitae Variant Classification Sherloc (09022015). Collection method: clinical testing. Allele origin: germline.
Comment: For these reasons, this variant has been classified as Pathogenic. This variant has not been reported in the literature in individuals affected with PEX6-related conditions. This variant is not present in population databases (gnomAD no frequency). This sequence change creates a premature translational stop signal (p.Leu131Glnfs*26) in the PEX6 gene. It is expected to result in an absent or disrupted protein product. Loss-of-function variants in PEX6 are known to be pathogenic (PMID: 8670792, 19877282, 21031596).

Literature cited by the submitters: PubMed 8670792; PubMed 19877282; PubMed 21031596.

NM_000287.4(PEX6):c.392_395del (p.Leu131fs)

Gene: PEX6 (peroxisomal biogenesis factor 6; minus strand). Cytogenetic location: 6p21.1.
Variant type: Deletion.
Coding change: c.392_395del on transcript NM_000287.4 (MANE Select); coding-DNA positions 392 to 395, 4 bases deleted (TCCC; older notation c.392_395delTCCC).
Protein change: p.Leu131fs; shifts the reading frame from leucine 131.
Molecular consequence: frameshift variant. On other transcripts: non-coding transcript variant (1).
Genome position (GRCh38, 1-based): chr6:42,978,756-42,978,759, GGGA deleted on the plus strand (TCCC on the coding strand, the reverse complement: PEX6 is on the minus strand); deleting any 4 consecutive bases within chr6:42,978,756-42,978,762 gives the same sequence; the c. name uses the placement nearest the transcript's 3' end. VCF-style (leftmost placement, unchanged base first): chr6-42978755-TGGGA-T. GRCh37 (hg19) VCF-style: chr6-42946493-TGGGA-T.
Other names: c.392_395del, p.Leu131fs (NM_001316313.2); short protein forms L131fs.
Identifiers: ClinVar variation 2052379 (VCV002052379.4), dbSNP rs2481280407, ClinGen allele CA2580074539.